The following is an entry in ClinVar:

NM_052947.4(ALPK2):c.6160G>C (p.Glu2054Gln)

Gene: ALPK2 (alpha kinase 2; minus strand). Cytogenetic location: 18q21.31.
Variant type: single nucleotide variant.
Coding change: c.6160G>C on transcript NM_052947.4 (MANE Select); coding-DNA position 6160, G replaced by C.
Protein change: p.Glu2054Gln; replaces glutamic acid 2054 with glutamine.
Molecular consequence: missense variant.
Genome position (GRCh38, 1-based): chr18:58,504,018, C>G on the plus strand (G>C on the coding strand, the complement: ALPK2 is on the minus strand). VCF-style: chr18-58504018-C-G. GRCh37 (hg19) VCF-style: chr18-56171250-C-G.
Other names: short protein forms E2054Q.
Identifiers: ClinVar variation 1751959 (VCV001751959.2), dbSNP rs2051447290, ClinGen allele CA402543579.
Genomic context (GRCh38, chr18:58,504,018, plus strand): 5'-CACTTGTTTTCTGGTACACCCAGTGCTGGAAGGTGCAACATTTCTGACCAGCTTCTGATT[C>G]TCTTCTCAAGAAGTTTATTTCTTTCCCATCCCTGATGGAATACTTCACAAATTCTCCAAT-3'
Protein context (NP_443179.3, residues 2044-2064): DGKEINFLRR[Glu2054Gln]SEAGQKCCTF

ClinVar aggregate classification (germline): Uncertain significance (1 of 4 stars; one submission).

Allele frequency attached by ClinVar (database versions not stated): TOPMed below 0.00001; gnomAD exomes 0.00001.
gnomAD v4.1: 9 of 1,614,234 alleles (0.00056%); highest among the groups gnomAD compares: Non-Finnish European, 0.00076%; no homozygotes.

Submission:

Ambry Genetics
Classification: Uncertain significance. Last evaluated: 2022-08-29. Review status: criteria provided, single submitter. Criteria: Ambry Variant Classification Scheme 2023. Collection method: clinical testing. Allele origin: germline.
Comment: The p.E2054Q variant (also known as c.6160G>C), located in coding exon 10 of the ALPK2 gene, results from a G to C substitution at nucleotide position 6160. The glutamic acid at codon 2054 is replaced by glutamine, an amino acid with highly similar properties. This amino acid position is conserved. In addition, this alteration is predicted to be tolerated by in silico analysis. Since supporting evidence is limited at this time, the clinical significance of this alteration remains unclear.